The following is an entry in ClinVar:

NM_000245.4(MET):c.3816C>T (p.Leu1272=)

Gene: MET (MET proto-oncogene, receptor tyrosine kinase; plus strand). Cytogenetic location: 7q31.2.
Variant type: single nucleotide variant.
Coding change: c.3816C>T on transcript NM_000245.4 (MANE Select); coding-DNA position 3816, C replaced by T.
Protein change: p.Leu1272=; no amino-acid change (leucine 1272 retained).
Molecular consequence: synonymous variant.
Genome position (GRCh38, 1-based): chr7:116,795,672, C>T. VCF-style: chr7-116795672-C-T. GRCh37 (hg19) VCF-style: chr7-116435726-C-T.
Other names: c.3870C>T, p.Leu1290= (NM_001127500.3); c.2526C>T, p.Leu842= (NM_001324402.2).
Identifiers: ClinVar variation 1735709 (VCV001735709.8), dbSNP rs757012119, ClinGen allele CA4448787.

ClinVar aggregate classification (germline): Benign/Likely benign. Review status: criteria provided, multiple submitters, no conflicts (2 of 4 stars). 3 submissions from 3 submitters: Benign (1); Likely benign (2). Last evaluated 2025-12-24.

Conditions:
Renal cell carcinoma. Identifiers: Orphanet 217071, MedGen C0007134, MeSH D002292, MONDO:0005086, HP:0005584.
Hereditary cancer-predisposing syndrome. Also called: Neoplastic Syndromes, Hereditary; Tumor predisposition; Hereditary Cancer Syndrome; Hereditary neoplastic syndrome. Identifiers: Orphanet 140162, MedGen C0027672, MeSH D009386, MONDO:0015356.
Papillary renal cell carcinoma type 1 (RCCP1). Also called: RENAL CELL CARCINOMA, PAPILLARY, 1, SOMATIC; Renal adenocarcinoma; Renal cell carcinoma 1; Renal cell carcinoma, somatic. Identifiers: Orphanet 47044, MedGen C1336839, OMIM 605074, HP:0011797.

Allele frequency attached by ClinVar (database versions not stated): ExAC 0.00002.
gnomAD v4.1: 15 of 1,613,952 alleles (0.00093%); highest among the groups gnomAD compares: Admixed American, 0.0017%; no homozygotes.

Submissions (3):

Labcorp Genetics (formerly Invitae), Labcorp
Classification: Likely benign for Renal cell carcinoma. Last evaluated: 2025-12-24. Review status: criteria provided, single submitter. Criteria: Invitae Variant Classification Sherloc (09022015). Collection method: clinical testing. Allele origin: germline.

Myriad Genetics, Inc.
Classification: Benign for Papillary renal cell carcinoma type 1. Last evaluated: 2024-11-14. Review status: criteria provided, single submitter. Criteria: Myriad Autosomal Dominant, Autosomal Recessive and X-Linked Classification Criteria (2023). Collection method: clinical testing. Allele origin: unknown.
Comment: This variant is considered benign. This variant is a silent/synonymous amino acid change and it is not expected to impact splicing.

Ambry Genetics
Classification: Likely benign for Hereditary cancer-predisposing syndrome. Last evaluated: 2022-07-02. Review status: criteria provided, single submitter. Criteria: Ambry Variant Classification Scheme 2023. Collection method: clinical testing. Allele origin: germline.